The following is an entry in ClinVar:

ClinVar aggregate classification (germline): Uncertain significance. Review status: criteria provided, multiple submitters, no conflicts (2 of 4 stars). 3 submissions from 3 submitters: Uncertain significance (3). Last evaluated 2023-01-10.

Conditions:
Inborn genetic diseases. Identifiers: MedGen C0950123, MeSH D030342.
Epilepsy, X-linked 1, with variable learning disabilities and behavior disorders. Also called: X-linked epilepsy-learning disabilities-behavior disorders syndrome. Identifiers: Orphanet 85294, MedGen C5774177, MONDO:0010339, OMIM 300491.

Allele frequency attached by ClinVar (database versions not stated): ExAC 0.00001; gnomAD exomes 0.00001; TOPMed 0.00001; gnomAD 0.00002.
gnomAD v4.1: 8 of 1,207,640 alleles (0.00066%); highest among the groups gnomAD compares: Non-Finnish European, 0.00089%; no homozygotes.

Submissions (3):

Labcorp Genetics (formerly Invitae), Labcorp
Classification: Uncertain significance for Epilepsy, X-linked 1, with variable learning disabilities and behavior disorders. Last evaluated: 2023-01-10. Review status: criteria provided, single submitter. Criteria: Invitae Variant Classification Sherloc (09022015). Collection method: clinical testing. Allele origin: germline.
Comment: ClinVar contains an entry for this variant (Variation ID: 1427022). This sequence change replaces arginine, which is basic and polar, with tryptophan, which is neutral and slightly polar, at codon 169 of the SYN1 protein (p.Arg169Trp). This variant is not present in population databases (gnomAD no frequency). This variant has not been reported in the literature in individuals affected with SYN1-related conditions. Algorithms developed to predict the effect of missense changes on protein structure and function (SIFT, PolyPhen-2, Align-GVGD) all suggest that this variant is likely to be disruptive. In summary, the available evidence is currently insufficient to determine the role of this variant in disease. Therefore, it has been classified as a Variant of Uncertain Significance.

GeneDx
Classification: Uncertain significance. Last evaluated: 2022-10-03. Review status: criteria provided, single submitter. Criteria: GeneDx Variant Classification Process June 2021. Collection method: clinical testing. Allele origin: germline. Affected: yes.
Comment: Not observed at significant frequency in large population cohorts (gnomAD); In silico analysis supports that this missense variant has a deleterious effect on protein structure/function; Has not been previously published as pathogenic or benign to our knowledge

Ambry Genetics
Classification: Uncertain significance for Inborn genetic diseases. Last evaluated: 2019-05-31. Review status: criteria provided, single submitter. Criteria: Ambry Variant Classification Scheme 2023. Collection method: clinical testing. Allele origin: germline.
Comment: The p.R169W variant (also known as c.505C>T), located in coding exon 3 of the SYN1 gene, results from a C to T substitution at nucleotide position 505. The arginine at codon 169 is replaced by tryptophan, an amino acid with dissimilar properties. This amino acid position is highly conserved in available vertebrate species. In addition, the in silico prediction for this alteration is inconclusive. Since supporting evidence is limited at this time, the clinical significance of this alteration remains unclear.

NM_006950.3(SYN1):c.505C>T (p.Arg169Trp)

Gene: SYN1 (synapsin I; minus strand). Cytogenetic location: Xp11.23.
Variant type: single nucleotide variant.
Coding change: c.505C>T on transcript NM_006950.3 (MANE Select); coding-DNA position 505, C replaced by T.
Protein change: p.Arg169Trp; replaces arginine 169 with tryptophan.
Molecular consequence: missense variant.
Genome position (GRCh38, 1-based): chrX:47,606,967, G>A on the plus strand (C>T on the coding strand, the complement: SYN1 is on the minus strand). VCF-style: chrX-47606967-G-A. GRCh37 (hg19) VCF-style: chrX-47466366-G-A.
Other names: c.505C>T, p.Arg169Trp (NM_133499.2); short protein forms R169W.
Identifiers: ClinVar variation 1427022 (VCV001427022.16), dbSNP rs762284940, ClinGen allele CA10398728.